The following is an entry in ClinVar:

ClinVar aggregate classification (germline): Uncertain significance. Review status: criteria provided, multiple submitters, no conflicts (2 of 4 stars). 2 submissions from 2 submitters: Uncertain significance (2). Last evaluated 2025-12-29.

Conditions:
Inborn genetic diseases. Identifiers: MedGen C0950123, MeSH D030342.

Allele frequency attached by ClinVar (database versions not stated): gnomAD 0.00001 and 0.00002; gnomAD exomes 0.00001; TOPMed 0.00002.
gnomAD v4.1: 67 of 1,613,566 alleles (0.0042%); highest among the groups gnomAD compares: Non-Finnish European, 0.0057%; no homozygotes.

Submissions (2):

Labcorp Genetics (formerly Invitae), Labcorp
Classification: Uncertain significance. Last evaluated: 2025-12-29. Review status: criteria provided, single submitter. Criteria: Invitae Variant Classification Sherloc (09022015). Collection method: clinical testing. Allele origin: germline.
Comment: This sequence change replaces phenylalanine, which is neutral and non-polar, with leucine, which is neutral and non-polar, at codon 168 of the TNNI3K protein (p.Phe168Leu). This variant is present in population databases (rs200743283, gnomAD 0.002%). This variant has not been reported in the literature in individuals affected with TNNI3K-related conditions. ClinVar contains an entry for this variant (Variation ID: 1400902). Invitae Evidence Modeling of protein sequence and biophysical properties (such as structural, functional, and spatial information, amino acid conservation, physicochemical variation, residue mobility, and thermodynamic stability) indicates that this missense variant is not expected to disrupt TNNI3K protein function with a negative predictive value of 80%. In summary, the available evidence is currently insufficient to determine the role of this variant in disease. Therefore, it has been classified as a Variant of Uncertain Significance.

Ambry Genetics
Classification: Uncertain significance for Inborn genetic diseases. Last evaluated: 2024-12-25. Review status: criteria provided, single submitter. Criteria: Ambry Variant Classification Scheme 2023. Collection method: clinical testing. Allele origin: germline.

NM_015978.3(TNNI3K):c.504C>A (p.Phe168Leu)

Genes: FPGT-TNNI3K (FPGT-TNNI3K readthrough; plus strand), TNNI3K (TNNI3 interacting kinase; plus strand). Cytogenetic location: 1p31.1.
Variant type: single nucleotide variant.
Coding change: c.504C>A on transcript NM_015978.3 (MANE Select); coding-DNA position 504, C replaced by A.
Protein change: p.Phe168Leu; replaces phenylalanine 168 with leucine.
Molecular consequence: missense variant.
Genome position (GRCh38, 1-based): chr1:74,331,509, C>A. VCF-style: chr1-74331509-C-A. GRCh37 (hg19) VCF-style: chr1-74797193-C-A.
Other names: c.807C>A, p.Phe269Leu (NM_001112808.3, NM_001199327.2); c.504C>A (NM_015978.2); short protein forms F269L, F168L.
Identifiers: ClinVar variation 1400902 (VCV001400902.7), dbSNP rs200743283, ClinGen allele CA24515665.